The following is an entry in ClinVar:

ClinVar aggregate classification (germline): Uncertain significance. Review status: criteria provided, multiple submitters, no conflicts (2 of 4 stars). 2 submissions from 2 submitters: Uncertain significance (2). Last evaluated 2023-06-21.

Conditions:
Dystonic disorder. Also called: Dystonia. Identifiers: MedGen C0013421, MONDO:0003441, HP:0001332.

Allele frequency attached by ClinVar (database versions not stated): gnomAD exomes below 0.00001.
gnomAD v4.1: 1 of 1,612,094 alleles (0.000062%); highest among the groups gnomAD compares: Non-Finnish European, 0.000085%; no homozygotes.

Submissions (2):

Revvity Omics, Revvity
Classification: Uncertain significance. Last evaluated: 2023-06-21. Review status: criteria provided, single submitter. Criteria: ACMG Guidelines, 2015. Collection method: clinical testing. Allele origin: germline.

Labcorp Genetics (formerly Invitae), Labcorp
Classification: Uncertain significance for Dystonic disorder. Last evaluated: 2020-01-30. Review status: criteria provided, single submitter. Criteria: Invitae Variant Classification Sherloc (09022015). Collection method: clinical testing. Allele origin: germline.
Comment: In summary, the available evidence is currently insufficient to determine the role of this variant in disease. Therefore, it has been classified as a Variant of Uncertain Significance. Algorithms developed to predict the effect of missense changes on protein structure and function are either unavailable or do not agree on the potential impact of this missense change (SIFT: "Deleterious"; PolyPhen-2: "Possibly Damaging"; Align-GVGD: "Class C15"). This variant has not been reported in the literature in individuals with CIZ1-related conditions. This variant is not present in population databases (ExAC no frequency). This sequence change replaces aspartic acid with asparagine at codon 207 of the CIZ1 protein (p.Asp207Asn). The aspartic acid residue is highly conserved and there is a small physicochemical difference between aspartic acid and asparagine.

NM_001131016.2(CIZ1):c.619G>A (p.Asp207Asn)

Gene: CIZ1 (CDKN1A interacting zinc finger protein 1; minus strand). Cytogenetic location: 9q34.11.
Variant type: single nucleotide variant.
Coding change: c.619G>A on transcript NM_001131016.2 (MANE Select); coding-DNA position 619, G replaced by A.
Protein change: p.Asp207Asn; replaces aspartic acid 207 with asparagine.
Molecular consequence: missense variant.
Genome position (GRCh38, 1-based): chr9:128,180,784, C>T on the plus strand (G>A on the coding strand, the complement: CIZ1 is on the minus strand). VCF-style: chr9-128180784-C-T. GRCh37 (hg19) VCF-style: chr9-130943063-C-T.
Other names: c.619G>A, p.Asp207Asn (NM_001131015.2, NM_012127.3); c.604G>A, p.Asp202Asn (NM_001131017.2); c.547G>A, p.Asp183Asn (NM_001131018.2); c.709G>A, p.Asp237Asn (NM_001257975.2); c.316G>A, p.Asp106Asn (NM_001257976.2); short protein forms D106N, D207N, D202N, D183N, D237N.
Identifiers: ClinVar variation 1036722 (VCV001036722.11), dbSNP rs1831494504, ClinGen allele CA375031652.